The following is an entry in ClinVar:

ClinVar aggregate classification (germline): Uncertain significance (1 of 4 stars; one submission).

Allele frequency attached by ClinVar (database versions not stated): gnomAD 0.00006 and 0.00007; gnomAD exomes 0.00006 and 0.00018; ExAC 0.00007; TOPMed 0.00009.
gnomAD v4.1: 274 of 1,614,130 alleles (0.017%); highest among the groups gnomAD compares: Non-Finnish European, 0.022%; no homozygotes.

Submission:

Labcorp Genetics (formerly Invitae), Labcorp
Classification: Uncertain significance. Last evaluated: 2025-12-08. Review status: criteria provided, single submitter. Criteria: Invitae Variant Classification Sherloc (09022015). Collection method: clinical testing. Allele origin: germline.
Comment: This sequence change creates a premature translational stop signal (p.Arg700*) in the TNNI3K gene. It is expected to result in an absent or disrupted protein product. However, the current clinical and genetic evidence is not sufficient to establish whether loss-of-function variants in TNNI3K cause disease. This variant is present in population databases (rs201182920, gnomAD 0.01%). This variant has not been reported in the literature in individuals affected with TNNI3K-related conditions. ClinVar contains an entry for this variant (Variation ID: 1419451). In summary, the available evidence is currently insufficient to determine the role of this variant in disease. Therefore, it has been classified as a Variant of Uncertain Significance.

NM_015978.3(TNNI3K):c.2098C>T (p.Arg700Ter)

Genes: FPGT-TNNI3K (FPGT-TNNI3K readthrough; plus strand), TNNI3K (TNNI3 interacting kinase; plus strand). Cytogenetic location: 1p31.1.
Variant type: single nucleotide variant.
Coding change: c.2098C>T on transcript NM_015978.3 (MANE Select); coding-DNA position 2098, C replaced by T.
Protein change: p.Arg700Ter; replaces arginine 700 with a stop codon.
Molecular consequence: nonsense.
Genome position (GRCh38, 1-based): chr1:74,463,527, C>T. VCF-style: chr1-74463527-C-T. GRCh37 (hg19) VCF-style: chr1-74929211-C-T.
Other names: c.2401C>T, p.Arg801Ter (NM_001112808.3, NM_001199327.2); short protein forms R700*, R801*.
Identifiers: ClinVar variation 1419451 (VCV001419451.6), dbSNP rs201182920, ClinGen allele CA909587.